The following is an entry in ClinVar:

ClinVar aggregate classification (germline): Pathogenic/Likely pathogenic. Review status: criteria provided, multiple submitters, no conflicts (2 of 4 stars). 4 submissions from 4 submitters: Pathogenic (1); Likely pathogenic (1). 2 of the submissions do not count toward it. Last evaluated 2023-01-30.

Conditions:
Developmental regression. Also called: C1836830. Identifiers: MedGen C1836830, HP:0002376.
Global developmental delay (DD). Also called: Cognitive delay. Identifiers: MedGen C0557874, HP:0001263. Disease mechanism: loss of function.
Cerebellar ataxia. Identifiers: Orphanet 102002, MedGen C0007758, MONDO:0000437.
Microcephaly. Also called: Microcephaly (disease). Identifiers: MedGen C4551563, MONDO:0001149, HP:0000252.
Isolated cerebellar hypoplasia/agenesis (CHEGDD). Also called: Cerebellar hypoplasia/atrophy, epilepsy, and global developmental delay. Identifiers: Orphanet 1398, Orphanet 2246, MedGen C5231391, MONDO:0008939, OMIM 213000.
Neurodegeneration with brain iron accumulation 2B. Also called: aNAD; atypical Neuroaxonal Dystrophy (aNAD); NEUROAXONAL DYSTROPHY, ATYPICAL; NEURODEGENERATION WITH BRAIN IRON ACCUMULATION, PLA2G6-RELATED. Identifiers: Orphanet 35069, MedGen C1857747, MONDO:0012444, OMIM 610217.
Autosomal recessive Parkinson disease 14. Also called: PARKINSON DISEASE 14; DYSTONIA-PARKINSONISM, ADULT-ONSET. Identifiers: Orphanet 199351, MedGen C2751842, MONDO:0013060, OMIM 612953.

gnomAD v4.1: 2 of 1,613,878 alleles (0.00012%); highest among the groups gnomAD compares: South Asian, 0.0022%; no homozygotes.

Submissions (4):

GeneDx
Classification: Likely pathogenic. Last evaluated: 2023-01-30. Review status: criteria provided, single submitter. Criteria: GeneDx Variant Classification Process June 2021. Collection method: clinical testing. Allele origin: germline. Affected: yes.
Comment: Not observed at significant frequency in large population cohorts (gnomAD); In silico analysis supports that this missense variant has a deleterious effect on protein structure/function; This variant is associated with the following publications: (PMID: 16783378, 18443314, 32581362, 34758253)

Genomics England Pilot Project, Genomics England
Classification: Pathogenic for Autosomal recessive Parkinson disease 14. Review status: criteria provided, single submitter. Criteria: ACGS Guidelines, 2016. Collection method: clinical testing. Allele origin: germline. Affected: yes.

OMIM
Classification: Pathogenic for NEURODEGENERATION WITH BRAIN IRON ACCUMULATION 2B. Last evaluated: 2006-07-01. Review status: no assertion criteria provided. Collection method: literature only. Allele origin: germline. Not counted in ClinVar's aggregate classification.

NIHR Bioresource Rare Diseases, University of Cambridge
Classification: Pathogenic for Cerebellar hypoplasia; Developmental regression; Global developmental delay; Ataxia; Microcephaly. Review status: no assertion criteria provided. Collection method: research. Allele origin: unknown. Affected: yes. Observed: 1 variant allele. Not counted in ClinVar's aggregate classification.

Literature cited by the submitters: PubMed 16783378 (cited by OMIM); PubMed 32581362 (cited by NIHR Bioresource Rare Diseases, University of Cambridge).

NM_003560.4(PLA2G6):c.1634A>C (p.Lys545Thr)

Gene: PLA2G6 (phospholipase A2 group VI; minus strand). Cytogenetic location: 22q13.1.
Variant type: single nucleotide variant.
Coding change: c.1634A>C on transcript NM_003560.4 (MANE Select); coding-DNA position 1634, A replaced by C.
Protein change: p.Lys545Thr; replaces lysine 545 with threonine.
Molecular consequence: missense variant.
Genome position (GRCh38, 1-based): chr22:38,120,867, T>G on the plus strand (A>C on the coding strand, the complement: PLA2G6 is on the minus strand). VCF-style: chr22-38120867-T-G. GRCh37 (hg19) VCF-style: chr22-38516874-T-G.
Other names: c.1634A>C (NM_003560.2); c.1472A>C, p.Lys491Thr (NM_001004426.3, NM_001199562.3, NM_001349865.2 and 1 more transcripts); c.1634A>C, p.Lys545Thr (NM_001349864.2); c.1100A>C, p.Lys367Thr (NM_001349867.2); c.956A>C, p.Lys319Thr (NM_001349868.2); c.938A>C, p.Lys313Thr (NM_001349869.2); short protein forms K545T, K491T, K313T, K319T, K367T.
Identifiers: ClinVar variation 6196 (VCV000006196.6), dbSNP rs121908681, ClinGen allele CA253793.
Genomic context (GRCh38, chr22:38,120,867, plus strand): 5'-TTCAGGAACTCCTCCAGGGGCCCCGACTCGTAGGGCCTGGAGCCCCGGAACACCTCATCC[T>G]TCATGCGAAAGTACATGCCGCGCATGTAGGCCATGGACTTACCTAGGAACAAAGGGGTCA-3'
Protein context (NP_003551.2, residues 535-555): AYMRGMYFRM[Lys545Thr]DEVFRGSRPY